The following is an entry in ClinVar:

ClinVar aggregate classification (germline): Uncertain significance (1 of 4 stars; one submission).

Submission:

Labcorp Genetics (formerly Invitae), Labcorp
Classification: Uncertain significance. Last evaluated: 2023-05-15. Review status: criteria provided, single submitter. Criteria: Invitae Variant Classification Sherloc (09022015). Collection method: clinical testing. Allele origin: germline.
Comment: This sequence change affects codon 554 of the MAGED2 mRNA. It is a 'silent' change, meaning that it does not change the encoded amino acid sequence of the MAGED2 protein. In summary, the available evidence is currently insufficient to determine the role of this variant in disease. Therefore, it has been classified as a Variant of Uncertain Significance. ClinVar contains an entry for this variant (Variation ID: 2113427). This variant has not been reported in the literature in individuals affected with MAGED2-related conditions. The frequency data for this variant in the population databases is considered unreliable, as metrics indicate poor data quality at this position in the gnomAD database.

NM_177433.3(MAGED2):c.1662T>C (p.Ser554=)

Gene: MAGED2 (MAGE family member D2; plus strand). Cytogenetic location: Xp11.21.
Variant type: single nucleotide variant.
Coding change: c.1662T>C on transcript NM_177433.3 (MANE Select); coding-DNA position 1662, T replaced by C.
Protein change: p.Ser554=; no amino-acid change (serine 554 retained).
Molecular consequence: synonymous variant.
Genome position (GRCh38, 1-based): chrX:54,815,523, T>C. VCF-style: chrX-54815523-T-C. GRCh37 (hg19) VCF-style: chrX-54841956-T-C.
Other names: c.1662T>C, p.Ser554= (NM_014599.6, NM_201222.3).
Identifiers: ClinVar variation 2113427 (VCV002113427.4), dbSNP rs1305741446, ClinGen allele CA516691855.
Genomic context (GRCh38, chrX:54,815,523, plus strand): 5'-AGCAGAAGCTAAAGCCAAAGCCCAAGAGAGTGGCAGTGCCAGCACTGGTGCCAGTACCAG[T>C]ACCAATAACAGTGCCAGTGCCAGTGCCAGCACCAGTGGTGGCTTCAGTGCTGGTGCCAGC-3'
Protein context (NP_803182.1, residues 544-564): SGSASTGAST[Ser554=]TNNSASASAS